The following is an entry in ClinVar:

ClinVar aggregate classification (germline): Uncertain significance (1 of 4 stars; one submission).

Conditions:
Fetal anomalies with a likely genetic cause.

Submission:

Genetics Laboratory, Great Ormond Street Hospital NHS Foundation Trust, North Thames Genomic Laboratory Hub
Classification: Uncertain significance for Fetal anomalies with a likely genetic cause. Last evaluated: 2026-09-03. Review status: criteria provided, single submitter. Criteria: ACGS Best Practice Guidelines for Variant Classification in Rare Disease 2024 v1.2. Collection method: clinical testing. Allele origin: germline. Affected: yes.
Comment: PM2_moderate, PVS1_moderate

NM_003632.3(CNTNAP1):c.4062_4063insCCAGCCCCAAC (p.Ser1355fs)

Genes: CNTNAP1 (contactin associated protein 1; plus strand), LOC128669077 (EZH1 +46 kb erythroid enhancer; plus strand). Cytogenetic location: 17q21.2.
Variant type: Insertion.
Coding change: c.4062_4063insCCAGCCCCAAC on transcript NM_003632.3 (MANE Select); coding-DNA positions 4062 to 4063, CCAGCCCCAAC inserted.
Protein change: p.Ser1355fs; shifts the reading frame from serine 1355.
Molecular consequence: frameshift variant.
Genome position: GRCh38 VCF-style: chr17-42698816-C-CCCCAGCCCCAA. GRCh37 (hg19) VCF-style: chr17-40850834-C-CCCCAGCCCCAA.
Other names: short protein forms S1355fs.
Identifiers: ClinVar variation 5038343 (VCV005038343.1).